The following is an entry in ClinVar:

ClinVar aggregate classification (germline): Benign. Review status: criteria provided, multiple submitters, no conflicts (2 of 4 stars). 3 submissions from 3 submitters: Benign (2). 1 of the submissions does not count toward it. Last evaluated 2026-01-24.

Conditions:
Oxoglutaricaciduria. Identifiers: Orphanet 31, MedGen C2752074, MONDO:0008759, OMIM 203740.
OGDH-related disorder. Also called: OGDH-related condition.

Allele frequency attached by ClinVar (database versions not stated): ExAC 0.00234; gnomAD 0.00765 and 0.00815; TOPMed 0.00833; ESP Exome Variant Server 0.00846; 1000 Genomes Project 30x 0.00906; 1000 Genomes Project 0.00938.
gnomAD v4.1: 2,315 of 1,614,226 alleles (0.14%); highest among the groups gnomAD compares: African/African-American, 2.7%; 33 homozygotes.

Submissions (3):

Labcorp Genetics (formerly Invitae), Labcorp
Classification: Benign for Oxoglutaricaciduria. Last evaluated: 2026-01-24. Review status: criteria provided, single submitter. Criteria: Invitae Variant Classification Sherloc (09022015). Collection method: clinical testing. Allele origin: germline.

Mayo Clinic Laboratories, Mayo Clinic
Classification: Benign. Last evaluated: 2021-10-04. Review status: criteria provided, single submitter. Criteria: ACMG Guidelines, 2015. Collection method: clinical testing. Allele origin: germline. Observed: 9 variant alleles.
Comment: BA1, BP4, BP7

PreventionGenetics, part of Exact Sciences
Classification: Benign for OGDH-related condition. Last evaluated: 2019-12-12. Review status: no assertion criteria provided. Collection method: clinical testing. Allele origin: germline. Not counted in ClinVar's aggregate classification.
Comment: This variant is classified as benign based on ACMG/AMP sequence variant interpretation guidelines (Richards et al. 2015 PMID: 25741868, with internal and published modifications).

NM_002541.4(OGDH):c.1857T>C (p.Asn619=)

Gene: OGDH (oxoglutarate dehydrogenase; plus strand). Cytogenetic location: 7p13.
Variant type: single nucleotide variant.
Coding change: c.1857T>C on transcript NM_002541.4 (MANE Select); coding-DNA position 1857, T replaced by C.
Protein change: p.Asn619=; no amino-acid change (asparagine 619 retained).
Molecular consequence: synonymous variant.
Genome position (GRCh38, 1-based): chr7:44,696,514, T>C. VCF-style: chr7-44696514-T-C. GRCh37 (hg19) VCF-style: chr7-44736113-T-C.
Other names: p.Asn619=; c.1845T>C, p.Asn615= (NM_001165036.2); c.1890T>C, p.Asn630= (NM_001363523.2); c.1890T>C (NM_001363523.1).
Identifiers: ClinVar variation 785215 (VCV000785215.13), dbSNP rs113823811, ClinGen allele CA4243950.
Genomic context (GRCh38, chr7:44,696,514, plus strand): 5'-CAGGAGCATGTCCTGCCCCTCCACGGGTCTGACGGAGGATATTCTGACACACATCGGGAA[T>C]GTGGCTAGTTCTGTGCCTGTGGAAAACTTTACTATTCATGGAGGTAACACGCTCTGTGCT-3'
Protein context (NP_002532.2, residues 609-629): LTEDILTHIG[Asn619=]VASSVPVENF